The following is an entry in ClinVar:

NM_000179.3(MSH6):c.3294C>G (p.Cys1098Trp)

Gene: MSH6 (mutS homolog 6; plus strand). Cytogenetic location: 2p16.3.
Variant type: single nucleotide variant.
Coding change: c.3294C>G on transcript NM_000179.3 (MANE Select); coding-DNA position 3294, C replaced by G.
Protein change: p.Cys1098Trp; replaces cysteine 1098 with tryptophan.
Molecular consequence: missense variant.
Genome position (GRCh38, 1-based): chr2:47,803,541, C>G. VCF-style: chr2-47803541-C-G. GRCh37 (hg19) VCF-style: chr2-48030680-C-G.
Other names: c.3126C>G, p.Cys1042Trp (NM_001406826.1); c.2997C>G, p.Cys999Trp (NM_001406827.1, NM_001406828.1, NM_001406830.1 and 10 more transcripts); c.2388C>G, p.Cys796Trp (NM_001406829.1, NM_001281493.2, NM_001281494.2 and 6 more transcripts); c.75C>G, p.Cys25Trp (NM_001406831.1); c.141C>G, p.Cys47Trp (NM_001406832.1); c.1239C>G, p.Cys413Trp (NM_001407362.1); c.2904C>G, p.Cys968Trp (NM_001281492.2); c.3390C>G, p.Cys1130Trp (NM_001406795.1, NM_001406802.1); and 6 more; short protein forms C796W, C1042W, C1072W, C1100W, C1130W, C968W, C25W, C413W.
Identifiers: ClinVar variation 1729872 (VCV001729872.2), dbSNP rs766341781, ClinGen allele CA346758461.
Genomic context (GRCh38, chr2:47,803,541, plus strand): 5'-AATTCTGTTGCCGGAAGATACCCCCCCCTTCTTAGAGCTTAAAGGATCACGCCATCCTTG[C>G]ATTACGAAGACTTTTTTTGGAGATGATTTTATTCCTAATGACATTCTAATAGGCTGTGAG-3'
Protein context (NP_000170.1, residues 1088-1108): FLELKGSRHP[Cys1098Trp]ITKTFFGDDF

ClinVar aggregate classification (germline): Uncertain significance (1 of 4 stars; one submission).

Conditions:
Hereditary cancer-predisposing syndrome. Also called: Neoplastic Syndromes, Hereditary; Tumor predisposition; Hereditary Cancer Syndrome; Hereditary neoplastic syndrome. Identifiers: Orphanet 140162, MedGen C0027672, MeSH D009386, MONDO:0015356.

Submission:

Ambry Genetics
Classification: Uncertain significance for Hereditary cancer-predisposing syndrome. Last evaluated: 2022-08-30. Review status: criteria provided, single submitter. Criteria: Ambry Variant Classification Scheme 2023. Collection method: clinical testing. Allele origin: germline.
Comment: The p.C1098W variant (also known as c.3294C>G), located in coding exon 5 of the MSH6 gene, results from a C to G substitution at nucleotide position 3294. The cysteine at codon 1098 is replaced by tryptophan, an amino acid with highly dissimilar properties. This alteration has been reported in a cohort of 488 patients with stages I to III breast cancer who were tested with a 25-gene panel test (Tung N et al. J Clin Oncol, 2016 May;34:1460-8). This amino acid position is highly conserved in available vertebrate species. In addition, this alteration is predicted to be deleterious by in silico analysis. Since supporting evidence is limited at this time, the clinical significance of this alteration remains unclear.

Literature cited by the submitters: PubMed 26976419.